The following is an entry in ClinVar:

ClinVar aggregate classification (germline): Benign/Likely benign. Review status: criteria provided, multiple submitters, no conflicts (2 of 4 stars). 3 submissions from 3 submitters: Benign (1); Likely benign (1). 1 of the submissions does not count toward it. Last evaluated 2025-11-11.

Conditions:
NANS-related disorder. Also called: NANS-related condition.

Allele frequency attached by ClinVar (database versions not stated): gnomAD 0.00182; ESP Exome Variant Server 0.00200; TOPMed 0.00214; 1000 Genomes Project 30x 0.00219; 1000 Genomes Project 0.00220.
gnomAD v4.1: 555 of 1,613,824 alleles (0.034%); highest among the groups gnomAD compares: African/African-American, 0.69%; 2 homozygotes.

Submissions (3):

Labcorp Genetics (formerly Invitae), Labcorp
Classification: Benign. Last evaluated: 2025-11-11. Review status: criteria provided, single submitter. Criteria: Invitae Variant Classification Sherloc (09022015). Collection method: clinical testing. Allele origin: germline.

Blueprint Genetics
Classification: Likely benign. Last evaluated: 2024-10-18. Review status: criteria provided, single submitter. Criteria: ACMG Guidelines, 2015. Collection method: clinical testing. Allele origin: germline.

PreventionGenetics, part of Exact Sciences
Classification: Likely benign for NANS-related condition. Last evaluated: 2019-08-15. Review status: no assertion criteria provided. Collection method: clinical testing. Allele origin: germline. Not counted in ClinVar's aggregate classification.
Comment: This variant is classified as likely benign based on ACMG/AMP sequence variant interpretation guidelines (Richards et al. 2015 PMID: 25741868, with internal and published modifications).

NM_018946.4(NANS):c.744T>C (p.Ser248=)

Genes: NANS (N-acetylneuraminate synthase; plus strand), TRIM14 (tripartite motif containing 14; minus strand). Cytogenetic location: 9q22.33.
Variant type: single nucleotide variant.
Coding change: c.744T>C on transcript NM_018946.4 (MANE Select); coding-DNA position 744, T replaced by C.
Protein change: p.Ser248=; no amino-acid change (serine 248 retained).
Molecular consequence: synonymous variant.
Genome position (GRCh38, 1-based): chr9:98,080,956, T>C. VCF-style: chr9-98080956-T-C. GRCh37 (hg19) VCF-style: chr9-100843238-T-C.
Identifiers: ClinVar variation 741408 (VCV000741408.12), dbSNP rs148983734, ClinGen allele CA5150373.
Genomic context (GRCh38, chr9:98,080,956, plus strand): 5'-GGCTCTGGGGGCCAAGGTGTTGGAACGTCACATAACTTTGGACAAGACCTGGAAGGGGAG[T>C]GACCACTCGGCCTCGCTGGAGCCTGGAGAACTGGCCGAGCTGGTGCGGTCAGTGCGTCTT-3'
Protein context (NP_061819.2, residues 238-258): HITLDKTWKG[Ser248=]DHSASLEPGE